The following is an entry in ClinVar:

ClinVar aggregate classification (germline): Pathogenic. Review status: criteria provided, multiple submitters, no conflicts (2 of 4 stars). 2 submissions from 2 submitters: Pathogenic (2). Last evaluated 2024-07-06.

Conditions:
Multiple congenital exostosis (EXT). Also called: Multiple osteochondromas; Hereditary multiple osteochondromas; Multiple exostoses; Hereditary multiple exostoses; Hereditary multiple exostosis; MULTIPLE CARTILAGINOUS EXOSTOSES. Identifiers: Orphanet 321, MedGen C0015306, MONDO:0005508, HP:0002762.

Submissions (2):

Labcorp Genetics (formerly Invitae), Labcorp
Classification: Pathogenic for Multiple congenital exostosis. Last evaluated: 2024-07-06. Review status: criteria provided, single submitter. Criteria: Invitae Variant Classification Sherloc (09022015). Collection method: clinical testing. Allele origin: germline.
Comment: This sequence change affects an acceptor splice site in intron 3 of the EXT1 gene. It is expected to disrupt RNA splicing. Variants that disrupt the donor or acceptor splice site typically lead to a loss of protein function (PMID: 16199547), and loss-of-function variants in EXT1 are known to be pathogenic (PMID: 10679937, 11391482, 19810120). This variant is not present in population databases (gnomAD no frequency). Disruption of this splice site has been observed in individual(s) with mutliple exostoses (PMID: 29126381). ClinVar contains an entry for this variant (Variation ID: 871935). Algorithms developed to predict the effect of sequence changes on RNA splicing suggest that this variant may disrupt the consensus splice site. For these reasons, this variant has been classified as Pathogenic.

CeGaT Center for Human Genetics Tuebingen
Classification: Pathogenic. Last evaluated: 2018-01-01. Review status: criteria provided, single submitter. Criteria: CeGaT Center For Human Genetics Tuebingen Variant Classification Criteria Version 2. Collection method: clinical testing. Allele origin: germline. Affected: yes. Observed: 1 variant allele.

Literature cited by the submitters: PubMed 16199547 (cited by Labcorp Genetics (formerly Invitae), Labcorp); PubMed 10679937 (cited by Labcorp Genetics (formerly Invitae), Labcorp); PubMed 11391482 (cited by Labcorp Genetics (formerly Invitae), Labcorp); PubMed 19810120 (cited by Labcorp Genetics (formerly Invitae), Labcorp); PubMed 29126381 (cited by Labcorp Genetics (formerly Invitae), Labcorp).

NM_000127.3(EXT1):c.1165-1G>A

Gene: EXT1 (exostosin glycosyltransferase 1; minus strand). Cytogenetic location: 8q24.11.
Variant type: single nucleotide variant.
Coding change: c.1165-1G>A on transcript NM_000127.3 (MANE Select); the canonical splice acceptor site of the intron before coding-DNA position 1165, G replaced by A.
Molecular consequence: splice acceptor variant.
Genome position (GRCh38, 1-based): chr8:117,830,350, C>T on the plus strand (G>A on the coding strand, the complement: EXT1 is on the minus strand). VCF-style: chr8-117830350-C-T. GRCh37 (hg19) VCF-style: chr8-118842589-C-T.
Identifiers: ClinVar variation 871935 (VCV000871935.43), dbSNP rs1812078423, ClinGen allele CA371890738.
Genomic context (GRCh38, chr8:117,830,350, plus strand): 5'-TGTCTGCTGTCTAAGTGCTAGGATTTTATCCTGATGAATAGACCTGATTGTAGAAGGAAT[C>T]TGTAACACAAGGTGAACACATAGGAATTATAACTGTAAAACAAAGAGATGCACTTGATCA-3'